The following is an entry in ClinVar:

NM_005677.4(COLQ):c.377del (p.Gly126fs)

Gene: COLQ (collagen like tail subunit of asymmetric acetylcholinesterase; minus strand). Cytogenetic location: 3p25.1.
Variant type: Deletion.
Coding change: c.377del on transcript NM_005677.4 (MANE Select); coding-DNA position 377, one base deleted (G; older notation c.377delG).
Protein change: p.Gly126fs; shifts the reading frame from glycine 126.
Molecular consequence: frameshift variant.
Genome position (GRCh38, 1-based): chr3:15,478,993, C deleted on the plus strand (G on the coding strand, the reverse complement: COLQ is on the minus strand); the first of 2 consecutive C bases (chr3:15,478,993-15,478,994); deleting either gives the same sequence. VCF-style (leftmost placement, unchanged base first): chr3-15478992-GC-G. GRCh37 (hg19) VCF-style: chr3-15520499-GC-G.
Other names: c.347del, p.Gly116fs (NM_080538.2); c.275del, p.Gly92fs (NM_080539.4); short protein forms G116fs, G126fs, G92fs.
Identifiers: ClinVar variation 1071042 (VCV001071042.10), dbSNP rs759874172, ClinGen allele CA2276207.
Genomic context (GRCh38, chr3:15,478,992, plus strand): 5'-AGCACAGACGCTCATGTGACACTCACAGAACAGCGCAGACCATACCTTCCTTCCTGGTCG[GC>G]CAAGCTCCCCCTATGGATGGAGAAGACAGGTAAGGAGAGGCTGCTTTGGAAGAGATGTTC-3'

ClinVar aggregate classification (germline): Pathogenic. Review status: criteria provided, multiple submitters, no conflicts (2 of 4 stars). 2 submissions from 2 submitters: Pathogenic (2). Last evaluated 2023-06-13.

Conditions:
Congenital myasthenic syndrome 5. Identifiers: Orphanet 590, MedGen C1864233, MONDO:0011281, OMIM 603034.

Submissions (2):

Baylor Genetics
Classification: Pathogenic for Congenital myasthenic syndrome 5. Last evaluated: 2023-06-13. Review status: criteria provided, single submitter. Criteria: ACMG Guidelines, 2015. Collection method: clinical testing. Allele origin: unknown.

Labcorp Genetics (formerly Invitae), Labcorp
Classification: Pathogenic for Congenital myasthenic syndrome 5. Last evaluated: 2022-10-05. Review status: criteria provided, single submitter. Criteria: Invitae Variant Classification Sherloc (09022015). Collection method: clinical testing. Allele origin: germline.
Comment: For these reasons, this variant has been classified as Pathogenic. ClinVar contains an entry for this variant (Variation ID: 1071042). This premature translational stop signal has been observed in individuals with congenital myasthenic syndrome (PMID: 22678886, 28024842). This variant is present in population databases (rs759874172, gnomAD 0.003%). This sequence change creates a premature translational stop signal (p.Gly126Alafs*38) in the COLQ gene. It is expected to result in an absent or disrupted protein product. Loss-of-function variants in COLQ are known to be pathogenic (PMID: 22678886).

Literature cited by the submitters: PubMed 22678886 (cited by Labcorp Genetics (formerly Invitae), Labcorp); PubMed 28024842 (cited by Labcorp Genetics (formerly Invitae), Labcorp).